The following is an entry in ClinVar:

ClinVar aggregate classification (germline): Uncertain significance. Review status: criteria provided, multiple submitters, no conflicts (2 of 4 stars). 2 submissions from 2 submitters: Uncertain significance (2). Last evaluated 2025-02-18.

Conditions:
Loeys-Dietz syndrome 2 (LDS2). Also called: TGFBR2-Related Loeys-Dietz Syndrome; AORTIC ANEURYSM, FAMILIAL THORACIC 3; MARFAN SYNDROME, TYPE II; Marfan syndrome, type 2 (formerly); Marfan Syndrome type 2; Marfan like connective tissue disorder. Identifiers: Orphanet 284973, Orphanet 558, MedGen C2674574, MONDO:0012427, OMIM 610168.

Allele frequency attached by ClinVar (database versions not stated): gnomAD exomes 0.00001; TOPMed 0.00001; gnomAD 0.00002.
gnomAD v4.1: 23 of 1,613,970 alleles (0.0014%); highest among the groups gnomAD compares: Non-Finnish European, 0.0019%; no homozygotes.

Submissions (2):

Labcorp Genetics (formerly Invitae), Labcorp
Classification: Uncertain significance for Loeys-Dietz syndrome 2. Last evaluated: 2025-02-18. Review status: criteria provided, single submitter. Criteria: Invitae Variant Classification Sherloc (09022015). Collection method: clinical testing. Allele origin: germline.
Comment: This sequence change replaces serine, which is neutral and polar, with phenylalanine, which is neutral and non-polar, at codon 415 of the TMPO protein (p.Ser415Phe). This variant is present in population databases (no rsID available, gnomAD 0.002%). This variant has not been reported in the literature in individuals affected with TMPO-related conditions. ClinVar contains an entry for this variant (Variation ID: 3223167). Invitae Evidence Modeling of protein sequence and biophysical properties (such as structural, functional, and spatial information, amino acid conservation, physicochemical variation, residue mobility, and thermodynamic stability) indicates that this missense variant is not expected to disrupt TMPO protein function with a negative predictive value of 80%. In summary, the available evidence is currently insufficient to determine the role of this variant in disease. Therefore, it has been classified as a Variant of Uncertain Significance.

Ambry Genetics
Classification: Uncertain significance. Last evaluated: 2024-02-16. Review status: criteria provided, single submitter. Criteria: Ambry Variant Classification Scheme 2023. Collection method: clinical testing. Allele origin: germline.
Comment: The p.S415F variant (also known as c.1244C>T), located in coding exon 4 of the TMPO gene, results from a C to T substitution at nucleotide position 1244. The serine at codon 415 is replaced by phenylalanine, an amino acid with highly dissimilar properties. This amino acid position is conserved. In addition, this alteration is predicted to be tolerated by in silico analysis. Based on the available evidence, the clinical significance of this alteration remains unclear.

NM_001032283.3(TMPO):c.565+1663C>T

Gene: TMPO (thymopoietin; plus strand). Cytogenetic location: 12q23.1.
Variant type: single nucleotide variant.
Coding change: c.565+1663C>T on transcript NM_001032283.3 (MANE Select); 1663 bases into the intron after coding-DNA position 565, C replaced by T.
Molecular consequence: intron variant. On other transcripts: missense variant (1).
Genome position (GRCh38, 1-based): chr12:98,533,501, C>T. VCF-style: chr12-98533501-C-T. GRCh37 (hg19) VCF-style: chr12-98927279-C-T.
Other names: c.1244C>T, p.Ser415Phe (NM_003276.2); c.565+1663C>T (NM_001307975.2, NM_001032284.3); short protein forms S415F.
Identifiers: ClinVar variation 3223167 (VCV003223167.2), dbSNP rs1029173536, ClinGen allele CA242224773.